The following is an entry in ClinVar:

NM_170665.4(ATP2A2):c.428_429del (p.Lys143fs)

Gene: ATP2A2 (ATPase sarcoplasmic/endoplasmic reticulum Ca2+ transporting 2; plus strand). Cytogenetic location: 12q24.11.
Variant type: Deletion.
Coding change: c.428_429del on transcript NM_170665.4 (MANE Select); coding-DNA positions 428 to 429, 2 bases deleted (AA; older notation c.428_429delAA).
Protein change: p.Lys143fs; shifts the reading frame from lysine 143.
Molecular consequence: frameshift variant.
Genome position (GRCh38, 1-based): chr12:110,296,702-110,296,703, AA deleted; deleting any 2 consecutive bases within chr12:110,296,701-110,296,703 gives the same sequence; the c. name uses the placement nearest the transcript's 3' end. VCF-style (leftmost placement, unchanged base first): chr12-110296700-TAA-T. GRCh37 (hg19) VCF-style: chr12-110734505-TAA-T.
Other names: c.323_324del, p.Lys108fs (NM_001413013.1); c.428_429del, p.Lys143fs (NM_001413014.1, NM_001681.4); c.53_54del, p.Lys18fs (NM_001413015.1); short protein forms K108fs, K143fs, K18fs.
Identifiers: ClinVar variation 2705845 (VCV002705845.3), dbSNP rs2548535407, ClinGen allele CA2697551529.

ClinVar aggregate classification (germline): Pathogenic (1 of 4 stars; one submission).

Submission:

Labcorp Genetics (formerly Invitae), Labcorp
Classification: Pathogenic. Last evaluated: 2023-12-27. Review status: criteria provided, single submitter. Criteria: Invitae Variant Classification Sherloc (09022015). Collection method: clinical testing. Allele origin: germline.
Comment: This sequence change creates a premature translational stop signal (p.Lys143Argfs*6) in the ATP2A2 gene. It is expected to result in an absent or disrupted protein product. Loss-of-function variants in ATP2A2 are known to be pathogenic (PMID: 10080178, 10441324). This variant is not present in population databases (gnomAD no frequency). This variant has not been reported in the literature in individuals affected with ATP2A2-related conditions. For these reasons, this variant has been classified as Pathogenic.

Literature cited by the submitters: PubMed 10080178; PubMed 10441324.